The following is an entry in ClinVar:

ClinVar aggregate classification (germline): Uncertain significance (1 of 4 stars; one submission).

Conditions:
Brachydactyly-arterial hypertension syndrome. Also called: BILGINTURAN SYNDROME. Identifiers: Orphanet 1276, MedGen C1862170, MONDO:0007211, OMIM 112410.

Submission:

3billion
Classification: Uncertain significance for Brachydactyly-arterial hypertension syndrome. Last evaluated: 2025-02-24. Review status: criteria provided, single submitter. Criteria: ACMG Guidelines, 2015. Collection method: clinical testing. Allele origin: germline. Affected: yes.
Comment: The variant is not observed in the gnomAD v4.1.0 dataset. Predicted Consequence/Location: Inframe insertion located in a nonrepeat region: predicted to change the length of the protein and disrupt normal protein function. Therefore, this variant is classified as VUS according to the recommendation of ACMG/AMP guideline.

NM_000921.5(PDE3A):c.1391_1399dup (p.Ile466_Lys467insThrSerIle)

Gene: PDE3A (phosphodiesterase 3A; plus strand). Cytogenetic location: 12p12.2.
Variant type: Duplication.
Coding change: c.1391_1399dup on transcript NM_000921.5 (MANE Select); coding-DNA positions 1391 to 1399, 9 bases duplicated (CCAGCATCA; older notation c.1391_1399dupCCAGCATCA).
Protein change: p.Ile466_Lys467insThrSerIle.
Molecular consequence: inframe insertion.
Genome position (GRCh38, 1-based): chr12:20,616,351-20,616,359, CCAGCATCA duplicated; duplicating any 9 consecutive bases within chr12:20,616,349-20,616,359 gives the same sequence; the c. name uses the placement nearest the transcript's 3' end. VCF-style (leftmost placement, unchanged base first): chr12-20616348-G-GCACCAGCAT. GRCh37 (hg19) VCF-style: chr12-20769282-G-GCACCAGCAT.
Other names: c.425_433dup, p.Ile144_Lys145insThrSerIle (NM_001244683.2, NM_001378409.1); c.1391_1399dup, p.Ile466_Lys467insThrSerIle (NM_001378407.1); c.428_436dup, p.Ile145_Lys146insThrSerIle (NM_001378408.1).
Identifiers: ClinVar variation 4293432 (VCV004293432.1).